The following is an entry in ClinVar:

NM_000330.4(RS1):c.422G>C (p.Arg141Pro)

Genes: CDKL5 (cyclin dependent kinase like 5; plus strand), RS1 (retinoschisin 1; minus strand). Cytogenetic location: Xp22.13.
Variant type: single nucleotide variant.
Coding change: c.422G>C on transcript NM_000330.4 (MANE Select); coding-DNA position 422, G replaced by C.
Protein change: p.Arg141Pro; replaces arginine 141 with proline.
Molecular consequence: missense variant. On other transcripts: intron variant (2).
Genome position (GRCh38, 1-based): chrX:18,644,530, C>G on the plus strand (G>C on the coding strand, the complement: RS1 is on the minus strand). VCF-style: chrX-18644530-C-G. GRCh37 (hg19) VCF-style: chrX-18662650-C-G.
Other names: NM_003159.3:c.2714-1477C>G; c.2714-1477C>G (NM_003159.3, NM_001037343.2); short protein forms R141P.
Identifiers: ClinVar variation 4279567 (VCV004279567.1).

ClinVar aggregate classification (germline): Likely pathogenic (3 of 4 stars; one submission).

Conditions:
Juvenile retinoschisis (RS1). Also called: X-linked retinoschisis; X-Linked Juvenile Retinoschisis. Identifiers: Orphanet 792, MedGen C3714753, MONDO:0010725, OMIM 312700.

Submission:

ClinGen X-linked Inherited Retinal Disease Variant Curation Expert Panel, ClinGen
Classification: Likely pathogenic for Juvenile retinoschisis. Last evaluated: 2025-09-22. Review status: reviewed by expert panel. Criteria: ClinGen X LinkedIRD ACMG Specifications RS1 V1.0.0. Collection method: curation. Allele origin: germline. Inheritance: X-linked inheritance.
Comment: NM_000330.4(RS1):c.422G>C (p.Arg141Pro) is a missense variant encoding the substitution of arginine with proline at amino acid 141. Another missense variant in the same codon, NM_000330.4(RS1):c.422G>A (p.Arg141His), (PMID: 29851975, PMID: 34645606, PMID: 30450322, PMID: 29739629, PMID: 35984651, PMID: 30652005, PMID: 19093009, PMID: 30630865, PMID: 30040949, PMID: 17525175, PMID: 30630865, PMID: 30040949) has been classified as pathogenic for X-linked retinoschisis by the ClinGen X-linked IRD VCEP, while no benign missense variants have been identified in this codon. The present variant has a higher Grantham’s distance (103) than the comparison variant (29), and SpliceAI has been used to confirm that neither variant has a predicted impact on RS1 splicing (PM5). This variant is absent from hemizygous individuals in gnomAD v4.1.0 (PM2_Supporting). At least one proband harboring this variant exhibits phenotypes including appearance of schisis and reduced visual acuity before age 13 years, which together are specific for X-linked retinoschisis (PMID: 33460243, PP4). The computational predictor REVEL gives a score of 0.955, which is above the ClinGen X-linked IRD VCEP threshold of >0.932 and predicts a damaging effect on RS1 function (PP3_Strong). The computational splicing predictor SpliceAI gives a delta score of 0.02 for acceptor loss, which is below the ClinGen X-linked IRD VCEP threshold of >0.2 and does not predict that the variant disrupts RS1 splicing. In summary, this variant is classified as likely pathogenic for X-linked Retinoschisis based on the ClinGen X-linked Inherited Retinal Disease Expert Panel Specifications to the ACMG/AMP Variant Interpretation Guidelines for RS1 Version 1.0.0: PM2_Supporting, PP3_Strong, PM5, and PP4.